The following is an entry in ClinVar:

NM_001042750.2(STAG2):c.76G>T (p.Asp26Tyr)

Gene: STAG2 (STAG2 cohesin complex component; plus strand). Cytogenetic location: Xq25.
Variant type: single nucleotide variant.
Coding change: c.76G>T on transcript NM_001042750.2 (MANE Select); coding-DNA position 76, G replaced by T.
Protein change: p.Asp26Tyr; replaces aspartic acid 26 with tyrosine.
Molecular consequence: missense variant.
Genome position (GRCh38, 1-based): chrX:124,025,871, G>T. VCF-style: chrX-124025871-G-T. GRCh37 (hg19) VCF-style: chrX-123159721-G-T.
Other names: c.76G>T, p.Asp26Tyr (NM_001042749.2, NM_001042751.2, NM_001282418.2 and 13 more transcripts); short protein forms D26Y.
Identifiers: ClinVar variation 3649665 (VCV003649665.2).

ClinVar aggregate classification (germline): Uncertain significance (1 of 4 stars; one submission).

Submission:

Labcorp Genetics (formerly Invitae), Labcorp
Classification: Uncertain significance. Last evaluated: 2024-04-12. Review status: criteria provided, single submitter. Criteria: Invitae Variant Classification Sherloc (09022015). Collection method: clinical testing. Allele origin: germline.
Comment: This sequence change replaces aspartic acid, which is acidic and polar, with tyrosine, which is neutral and polar, at codon 26 of the STAG2 protein (p.Asp26Tyr). This variant is not present in population databases (gnomAD no frequency). This variant has not been reported in the literature in individuals affected with STAG2-related conditions. An algorithm developed to predict the effect of missense changes on protein structure and function (PolyPhen-2) suggests that this variant is likely to be disruptive. In summary, the available evidence is currently insufficient to determine the role of this variant in disease. Therefore, it has been classified as a Variant of Uncertain Significance.